The following is an entry in ClinVar:

NM_000218.3(KCNQ1):c.1720A>G (p.Ile574Val)

Gene: KCNQ1 (potassium voltage-gated channel subfamily Q member 1; plus strand). Cytogenetic location: 11p15.5.
Variant type: single nucleotide variant.
Coding change: c.1720A>G on transcript NM_000218.3 (MANE Select); coding-DNA position 1720, A replaced by G.
Protein change: p.Ile574Val; replaces isoleucine 574 with valine.
Molecular consequence: missense variant.
Genome position (GRCh38, 1-based): chr11:2,777,020, A>G. VCF-style: chr11-2777020-A-G. GRCh37 (hg19) VCF-style: chr11-2798250-A-G.
Other names: c.1624A>G, p.Ile542Val (NM_001406836.1); c.1450A>G, p.Ile484Val (NM_001406837.1); c.1180A>G, p.Ile394Val (NM_001406838.1); c.1339A>G, p.Ile447Val (NM_181798.2); short protein forms I574V, I447V, I542V, I394V, I484V.
Identifiers: ClinVar variation 630538 (VCV000630538.19), dbSNP rs761947465, ClinGen allele CA032219.
Genomic context (GRCh38, chr11:2,777,020, plus strand): 5'-ACTGGTGTCTGTGTCCTTCTCTCCAGGCTGGACCAGTCCATTGGGAAGCCCTCACTGTTC[A>G]TCTCCGTCTCAGGTGGGTTTCTGTGTCAGTTACTCTGGGCCCAGCAGCCTGCAATGGACT-3'
Protein context (NP_000209.2, residues 564-584): DQSIGKPSLF[Ile574Val]SVSEKSKDRG

ClinVar aggregate classification (germline): Uncertain significance. Review status: criteria provided, multiple submitters, no conflicts (2 of 4 stars). 4 submissions from 4 submitters: Uncertain significance (4). Last evaluated 2025-10-27.

Conditions:
Cardiovascular phenotype. Identifiers: MedGen CN230736.
Cardiac arrhythmia. Also called: Arrhythmia; Cardiac rhythm disease. Identifiers: MedGen C0003811, MONDO:0007263, HP:0011675.
Long QT syndrome (LQTS). Identifiers: MedGen C0023976, MeSH D008133, MONDO:0002442. Disease mechanism: loss of function. Inheritance: Various modes of inheritance.

Allele frequency attached by ClinVar (database versions not stated): gnomAD exomes below 0.00001 and 0.00003; ExAC 0.00001.
gnomAD v4.1: 36 of 1,613,900 alleles (0.0022%); highest among the groups gnomAD compares: Non-Finnish European, 0.0031%; no homozygotes.

Submissions (4):

Labcorp Genetics (formerly Invitae), Labcorp
Classification: Uncertain significance for Long QT syndrome. Last evaluated: 2025-10-27. Review status: criteria provided, single submitter. Criteria: Invitae Variant Classification Sherloc (09022015). Collection method: clinical testing. Allele origin: germline.
Comment: This sequence change replaces isoleucine, which is neutral and non-polar, with valine, which is neutral and non-polar, at codon 574 of the KCNQ1 protein (p.Ile574Val). This variant is present in population databases (rs761947465, gnomAD 0.007%). This variant has not been reported in the literature in individuals affected with KCNQ1-related conditions. ClinVar contains an entry for this variant (Variation ID: 630538). Invitae Evidence Modeling of protein sequence and biophysical properties (such as structural, functional, and spatial information, amino acid conservation, physicochemical variation, residue mobility, and thermodynamic stability) indicates that this missense variant is not expected to disrupt KCNQ1 protein function with a negative predictive value of 95%. Experimental studies have shown that this missense change affects KCNQ1 function (PMID: 34930020). In summary, the available evidence is currently insufficient to determine the role of this variant in disease. Therefore, it has been classified as a Variant of Uncertain Significance.

Color Diagnostics, LLC DBA Color Health
Classification: Uncertain significance for Cardiac arrhythmia. Last evaluated: 2025-09-04. Review status: criteria provided, single submitter. Criteria: ACMG Guidelines, 2015. Collection method: clinical testing. Allele origin: germline.
Comment: This missense variant replaces isoleucine with valine at codon 574 of the KCNQ1 protein. Computational prediction is inconclusive regarding the impact of this variant on protein structure and function. A functional study has shown that this variant causes a slight increase of the peak current density in the channel (PMID: 34930020). This variant has been reported in three individuals from a population screening study, who were not affected with KCNQ1-related disorders (PMID: 34930020). This variant has been identified in 1/251082 chromosomes in the general population by the Genome Aggregation Database (gnomAD). The available evidence is insufficient to determine the role of this variant in disease conclusively. Therefore, this variant is classified as a Variant of Uncertain Significance.

All of Us Research Program, National Institutes of Health
Classification: Uncertain significance for Long QT syndrome. Last evaluated: 2024-01-03. Review status: criteria provided, single submitter. Criteria: ACMG Guidelines, 2015. Collection method: clinical testing. Allele origin: germline. Inheritance: Autosomal dominant inheritance. Observed: 3 variant alleles, 3 heterozygotes.
Comment: This missense variant replaces isoleucine with valine at codon 574 of the KCNQ1 protein. Computational prediction is inconclusive regarding the impact of this variant on protein structure and function (internally defined REVEL score threshold 0.5 < inconclusive < 0.7, PMID: 27666373). A functional study using transfected HEK293 cells and whole cell patch clamp has shown that this variant causes a slight increase of the peak current density in the channel (PMID: 34930020). This variant has been reported in three individuals from a population screening study, who were not affected with KCNQ1-related disorders (PMID: 34930020). This variant has been identified in 1/251082 chromosomes in the general population by the Genome Aggregation Database (gnomAD). The available evidence is insufficient to determine the role of this variant in disease conclusively. Therefore, this variant is classified as a Variant of Uncertain Significance.

This study involves interpretation of variants in research participants for the purpose of population health screening. Participant phenotype was not available at the time of variant classification. Additional details can be found in publication PMID: 35346344, PMCID: PMC8962531

Ambry Genetics
Classification: Uncertain significance for Cardiovascular phenotype. Last evaluated: 2020-07-22. Review status: criteria provided, single submitter. Criteria: Ambry Variant Classification Scheme 2023. Collection method: clinical testing. Allele origin: germline.
Comment: The p.I574V variant (also known as c.1720A>G), located in coding exon 14 of the KCNQ1 gene, results from an A to G substitution at nucleotide position 1720. The isoleucine at codon 574 is replaced by valine, an amino acid with highly similar properties, and is located in the C-terminal region of the protein. This amino acid position is not well conserved in available vertebrate species, and valine is the reference amino acid in other vertebrate species. In addition, the in silico prediction for this alteration is inconclusive. Since supporting evidence is limited at this time, the clinical significance of this alteration remains unclear.

Literature cited by the submitters: PubMed 34930020 (cited by 3 submitters).